The following is an entry in ClinVar:

ClinVar aggregate classification (germline): Benign/Likely benign. Review status: criteria provided, multiple submitters, no conflicts (2 of 4 stars). 4 submissions from 4 submitters: Benign (1); Likely benign (2). 1 of the submissions does not count toward it. Last evaluated 2025-11-19.

Conditions:
TFRC-related disorder. Also called: TFRC-related condition.

Allele frequency attached by ClinVar (database versions not stated): ExAC 0.00016; ESP Exome Variant Server 0.00023; 1000 Genomes Project 30x 0.00031; 1000 Genomes Project 0.00040.

Submissions (4):

Labcorp Genetics (formerly Invitae), Labcorp
Classification: Benign. Last evaluated: 2025-11-19. Review status: criteria provided, single submitter. Criteria: Invitae Variant Classification Sherloc (09022015). Collection method: clinical testing. Allele origin: germline.

Blueprint Genetics
Classification: Likely benign. Last evaluated: 2024-10-14. Review status: criteria provided, single submitter. Criteria: ACMG Guidelines, 2015. Collection method: clinical testing. Allele origin: germline.

CeGaT Center for Human Genetics Tuebingen
Classification: Likely benign. Last evaluated: 2022-07-01. Review status: criteria provided, single submitter. Criteria: CeGaT Center For Human Genetics Tuebingen Variant Classification Criteria Version 2. Collection method: clinical testing. Allele origin: germline. Affected: yes. Observed: 1 variant allele.
Comment: TFRC: BP4, BP7

PreventionGenetics, part of Exact Sciences
Classification: Likely benign for TFRC-related condition. Last evaluated: 2019-03-22. Review status: no assertion criteria provided. Collection method: clinical testing. Allele origin: germline. Not counted in ClinVar's aggregate classification.
Comment: This variant is classified as likely benign based on ACMG/AMP sequence variant interpretation guidelines (Richards et al. 2015 PMID: 25741868, with internal and published modifications).

NM_001128148.3(TFRC):c.396G>A (p.Ser132=)

Gene: TFRC (transferrin receptor; minus strand). Cytogenetic location: 3q29.
Variant type: single nucleotide variant.
Coding change: c.396G>A on transcript NM_001128148.3 (MANE Select); coding-DNA position 396, G replaced by A.
Protein change: p.Ser132=; no amino-acid change (serine 132 retained).
Molecular consequence: synonymous variant. On other transcripts: intron variant (1).
Genome position (GRCh38, 1-based): chr3:196,073,968, C>T on the plus strand (G>A on the coding strand, the complement: TFRC is on the minus strand). VCF-style: chr3-196073968-C-T. GRCh37 (hg19) VCF-style: chr3-195800839-C-T.
Other names: c.153G>A, p.Ser51= (NM_001313965.2); c.396G>A, p.Ser132= (NM_003234.4); c.-412-1816G>A (NM_001313966.2); c.396G>A (NM_003234.3).
Identifiers: ClinVar variation 1564859 (VCV001564859.33), dbSNP rs150889988, ClinGen allele CA2778319.